The following is an entry in ClinVar:

ClinVar aggregate classification (germline): Uncertain significance. Review status: criteria provided, multiple submitters, no conflicts (2 of 4 stars). 2 submissions from 2 submitters: Uncertain significance (2). Last evaluated 2025-12-09.

Conditions:
Primary dilated cardiomyopathy (DCM). Also called: Dilated Cardiomyopathy. Identifiers: Orphanet 217604, MedGen C0007193, MeSH D002311, MONDO:0005021, HP:0001644. Inheritance: Various modes of inheritance.

Allele frequency attached by ClinVar (database versions not stated): gnomAD exomes below 0.00001; TOPMed below 0.00001; gnomAD 0.00001; ExAC 0.00002.
gnomAD v4.1: 6 of 1,614,108 alleles (0.00037%); highest among the groups gnomAD compares: East Asian, 0.013%; no homozygotes.

Submissions (2):

Labcorp Genetics (formerly Invitae), Labcorp
Classification: Uncertain significance for Primary dilated cardiomyopathy. Last evaluated: 2025-12-09. Review status: criteria provided, single submitter. Criteria: Invitae Variant Classification Sherloc (09022015). Collection method: clinical testing. Allele origin: germline.
Comment: This sequence change replaces proline, which is neutral and non-polar, with alanine, which is neutral and non-polar, at codon 79 of the FHL2 protein (p.Pro79Ala). This variant is present in population databases (rs781427423, gnomAD 0.02%). This variant has not been reported in the literature in individuals affected with FHL2-related conditions. ClinVar contains an entry for this variant (Variation ID: 2894110). Invitae Evidence Modeling of protein sequence and biophysical properties (such as structural, functional, and spatial information, amino acid conservation, physicochemical variation, residue mobility, and thermodynamic stability) indicates that this missense variant is not expected to disrupt FHL2 protein function with a negative predictive value of 80%. In summary, the available evidence is currently insufficient to determine the role of this variant in disease. Therefore, it has been classified as a Variant of Uncertain Significance.

Ambry Genetics
Classification: Uncertain significance. Last evaluated: 2025-03-27. Review status: criteria provided, single submitter. Criteria: Ambry Variant Classification Scheme 2023. Collection method: clinical testing. Allele origin: germline.

NM_001318895.3(FHL2):c.235C>G (p.Pro79Ala)

Genes: C2orf49 (chromosome 2 open reading frame 49; plus strand), FHL2 (four and a half LIM domains 2; minus strand). Cytogenetic location: 2q12.2.
Variant type: single nucleotide variant.
Coding change: c.235C>G on transcript NM_001318895.3 (MANE Select); coding-DNA position 235, C replaced by G.
Protein change: p.Pro79Ala; replaces proline 79 with alanine.
Molecular consequence: missense variant. On other transcripts: 5 prime UTR variant (1), intron variant (2).
Genome position (GRCh38, 1-based): chr2:105,373,655, G>C on the plus strand (C>G on the coding strand, the complement: FHL2 is on the minus strand). VCF-style: chr2-105373655-G-C. GRCh37 (hg19) VCF-style: chr2-105990112-G-C.
Other names: c.235C>G, p.Pro79Ala (NM_001039492.3, NM_001318894.1, NM_001318896.2 and 4 more transcripts); c.-90C>G (NM_001318899.2); c.-11-5916C>G (NM_001318897.2, NM_001318898.2); c.235C>G (NM_201555.1); short protein forms P79A.
Identifiers: ClinVar variation 2894110 (VCV002894110.4), dbSNP rs781427423, ClinGen allele CA1814796.